The following is an entry in ClinVar:

ClinVar aggregate classification (germline): Uncertain significance (1 of 4 stars; one submission).

Conditions:
Familial cold autoinflammatory syndrome 2 (FCAS2). Identifiers: Orphanet 247868, MedGen C2673198, MONDO:0012724, OMIM 611762.

Allele frequency attached by ClinVar (database versions not stated): gnomAD 0.00001; gnomAD exomes 0.00001; TOPMed 0.00001; ExAC 0.00003; 1000 Genomes Project 0.00020; 1000 Genomes Project 30x 0.00031.
gnomAD v4.1: 9 of 1,614,150 alleles (0.00056%); highest among the groups gnomAD compares: Admixed American, 0.01%; no homozygotes.

Submission:

Labcorp Genetics (formerly Invitae), Labcorp
Classification: Uncertain significance for Familial cold autoinflammatory syndrome 2. Last evaluated: 2025-12-27. Review status: criteria provided, single submitter. Criteria: Invitae Variant Classification Sherloc (09022015). Collection method: clinical testing. Allele origin: germline.
Comment: This sequence change replaces lysine, which is basic and polar, with arginine, which is basic and polar, at codon 238 of the NLRP12 protein (p.Lys238Arg). This variant is present in population databases (rs200820147, gnomAD 0.01%). This variant has not been reported in the literature in individuals affected with NLRP12-related conditions. ClinVar contains an entry for this variant (Variation ID: 2896114). Invitae Evidence Modeling of protein sequence and biophysical properties (such as structural, functional, and spatial information, amino acid conservation, physicochemical variation, residue mobility, and thermodynamic stability) indicates that this missense variant is not expected to disrupt NLRP12 protein function with a negative predictive value of 80%. In summary, the available evidence is currently insufficient to determine the role of this variant in disease. Therefore, it has been classified as a Variant of Uncertain Significance.

NM_144687.4(NLRP12):c.713A>G (p.Lys238Arg)

Gene: NLRP12 (NLR family pyrin domain containing 12; minus strand). Cytogenetic location: 19q13.42.
Variant type: single nucleotide variant.
Coding change: c.713A>G on transcript NM_144687.4 (MANE Select); coding-DNA position 713, A replaced by G.
Protein change: p.Lys238Arg; replaces lysine 238 with arginine.
Molecular consequence: missense variant.
Genome position (GRCh38, 1-based): chr19:53,810,946, T>C on the plus strand (A>G on the coding strand, the complement: NLRP12 is on the minus strand). VCF-style: chr19-53810946-T-C. GRCh37 (hg19) VCF-style: chr19-54314200-T-C.
Other names: c.713A>G, p.Lys238Arg (NM_001277126.2, NM_001277129.1); short protein forms K238R.
Identifiers: ClinVar variation 2896114 (VCV002896114.3), dbSNP rs200820147, ClinGen allele CA9639622.